The following is an entry in ClinVar:

ClinVar aggregate classification (germline): Uncertain significance. Review status: criteria provided, multiple submitters, no conflicts (2 of 4 stars). 3 submissions from 3 submitters: Uncertain significance (3). Last evaluated 2024-03-19.

Conditions:
Hereditary cancer-predisposing syndrome. Also called: Tumor predisposition; Hereditary neoplastic syndrome; Neoplastic Syndromes, Hereditary; Hereditary Cancer Syndrome. Identifiers: Orphanet 140162, MedGen C0027672, MeSH D009386, MONDO:0015356.
Neuroblastoma, susceptibility to, 3. Also called: ALK-Related Neuroblastic Tumor Susceptibility. Identifiers: Orphanet 635, MedGen C2751681, MONDO:0013083, OMIM 613014.

Allele frequency attached by ClinVar (database versions not stated): TOPMed below 0.00001; ExAC 0.00001.

Submissions (3):

Baylor Genetics
Classification: Uncertain significance for Neuroblastoma, susceptibility to, 3. Last evaluated: 2024-03-19. Review status: criteria provided, single submitter. Criteria: ACMG Guidelines, 2015. Collection method: clinical testing. Allele origin: unknown.

Ambry Genetics
Classification: Uncertain significance for Hereditary cancer-predisposing syndrome. Last evaluated: 2024-03-02. Review status: criteria provided, single submitter. Criteria: Ambry Variant Classification Scheme 2023. Collection method: clinical testing. Allele origin: germline.
Comment: The p.P61L variant (also known as c.182C>T), located in coding exon 1 of the ALK gene, results from a C to T substitution at nucleotide position 182. The proline at codon 61 is replaced by leucine, an amino acid with similar properties. This amino acid position is conserved. In addition, this alteration is predicted to be deleterious by in silico analysis. Based on the available evidence, the clinical significance of this alteration remains unclear.

Labcorp Genetics (formerly Invitae), Labcorp
Classification: Uncertain significance for Neuroblastoma, susceptibility to, 3. Last evaluated: 2023-04-28. Review status: criteria provided, single submitter. Criteria: Invitae Variant Classification Sherloc (09022015). Collection method: clinical testing. Allele origin: germline.
Comment: In summary, the available evidence is currently insufficient to determine the role of this variant in disease. Therefore, it has been classified as a Variant of Uncertain Significance. An algorithm developed to predict the effect of missense changes on protein structure and function (PolyPhen-2) suggests that this variant is likely to be disruptive. This variant has not been reported in the literature in individuals affected with ALK-related conditions. This variant is present in population databases (rs765309299, gnomAD 0.006%). This sequence change replaces proline, which is neutral and non-polar, with leucine, which is neutral and non-polar, at codon 61 of the ALK protein (p.Pro61Leu).

NM_004304.5(ALK):c.182C>T (p.Pro61Leu)

Gene: ALK (ALK receptor tyrosine kinase; minus strand). Cytogenetic location: 2p23.1.
Variant type: single nucleotide variant.
Coding change: c.182C>T on transcript NM_004304.5 (MANE Select); coding-DNA position 182, C replaced by T.
Protein change: p.Pro61Leu; replaces proline 61 with leucine.
Molecular consequence: missense variant.
Genome position (GRCh38, 1-based): chr2:29,920,478, G>A on the plus strand (C>T on the coding strand, the complement: ALK is on the minus strand). VCF-style: chr2-29920478-G-A. GRCh37 (hg19) VCF-style: chr2-30143344-G-A.
Other names: c.182C>T (NM_004304.4); short protein forms P61L.
Identifiers: ClinVar variation 2973641 (VCV002973641.5), dbSNP rs765309299, ClinGen allele CA1595028.
Genomic context (GRCh38, chr2:29,920,478, plus strand): 5'-TTCAGCTCCGAGGAGGATGGTGGCAGCAGTAGGTCCCGGGCGTAGACACGGAAGAGCGAG[G>A]GCACCACGAAGTCAACTGCCAGACTCTTCCTCTGCAGGCGCGAGTAGCTGAGTGGCTCCC-3'
Protein context (NP_004295.2, residues 51-71): RKSLAVDFVV[Pro61Leu]SLFRVYARDL